The following is an entry in ClinVar:

NM_006767.4(LZTR1):c.1995A>C (p.Glu665Asp)

Gene: LZTR1 (leucine zipper like post translational regulator 1; plus strand). Cytogenetic location: 22q11.21.
Variant type: single nucleotide variant.
Coding change: c.1995A>C on transcript NM_006767.4 (MANE Select); coding-DNA position 1995, A replaced by C.
Protein change: p.Glu665Asp; replaces glutamic acid 665 with aspartic acid.
Molecular consequence: missense variant.
Genome position (GRCh38, 1-based): chr22:20,995,798, A>C. VCF-style: chr22-20995798-A-C. GRCh37 (hg19) VCF-style: chr22-21350087-A-C.
Other names: short protein forms E665D.
Identifiers: ClinVar variation 3238185 (VCV003238185.1), dbSNP rs2518623895.

ClinVar aggregate classification (germline): Uncertain significance (1 of 4 stars; one submission).

Conditions:
Hereditary cancer-predisposing syndrome. Also called: Neoplastic Syndromes, Hereditary; Tumor predisposition; Hereditary neoplastic syndrome; Hereditary Cancer Syndrome. Identifiers: Orphanet 140162, MedGen C0027672, MeSH D009386, MONDO:0015356.
Cardiovascular phenotype. Identifiers: MedGen CN230736.

Submission:

Ambry Genetics
Classification: Uncertain significance for Cardiovascular phenotype; Hereditary cancer-predisposing syndrome. Last evaluated: 2023-04-19. Review status: criteria provided, single submitter. Criteria: Ambry Variant Classification Scheme 2023. Collection method: clinical testing. Allele origin: germline.
Comment: The p.E665D variant (also known as c.1995A>C), located in coding exon 17 of the LZTR1 gene, results from an A to C substitution at nucleotide position 1995. The glutamic acid at codon 665 is replaced by aspartic acid, an amino acid with highly similar properties. This amino acid position is conserved. In addition, this alteration is predicted to be tolerated by in silico analysis. Since supporting evidence is limited at this time, the clinical significance of this alteration remains unclear.